The following is an entry in ClinVar:

NM_001375524.1(TRRAP):c.4691C>T (p.Pro1564Leu)

Gene: TRRAP (transformation/transcription domain associated protein; plus strand). Cytogenetic location: 7q22.1.
Variant type: single nucleotide variant.
Coding change: c.4691C>T on transcript NM_001375524.1 (MANE Select); coding-DNA position 4691, C replaced by T.
Protein change: p.Pro1564Leu; replaces proline 1564 with leucine.
Molecular consequence: missense variant.
Genome position (GRCh38, 1-based): chr7:98,948,588, C>T. VCF-style: chr7-98948588-C-T. GRCh37 (hg19) VCF-style: chr7-98546211-C-T.
Other names: c.4670C>T, p.Pro1557Leu (NM_001244580.2); c.4616C>T, p.Pro1539Leu (NM_003496.4); short protein forms P1557L, P1539L, P1564L.
Identifiers: ClinVar variation 2767229 (VCV002767229.3), dbSNP rs2484847731, ClinGen allele CA368312074.

ClinVar aggregate classification (germline): Uncertain significance (1 of 4 stars; one submission).

Submission:

Labcorp Genetics (formerly Invitae), Labcorp
Classification: Uncertain significance. Last evaluated: 2023-10-09. Review status: criteria provided, single submitter. Criteria: Invitae Variant Classification Sherloc (09022015). Collection method: clinical testing. Allele origin: germline.
Comment: This sequence change replaces proline, which is neutral and non-polar, with leucine, which is neutral and non-polar, at codon 1539 of the TRRAP protein (p.Pro1539Leu). This variant is not present in population databases (gnomAD no frequency). This variant has not been reported in the literature in individuals affected with TRRAP-related conditions. Advanced modeling of protein sequence and biophysical properties (such as structural, functional, and spatial information, amino acid conservation, physicochemical variation, residue mobility, and thermodynamic stability) performed at Invitae indicates that this missense variant is expected to disrupt TRRAP protein function. In summary, the available evidence is currently insufficient to determine the role of this variant in disease. Therefore, it has been classified as a Variant of Uncertain Significance.